The following is an entry in ClinVar:

ClinVar aggregate classification (germline): Uncertain significance (1 of 4 stars; one submission).

Conditions:
Ectodermal dysplasia and immunodeficiency 2. Identifiers: Orphanet 238468, Orphanet 98813, MedGen C2677481, MONDO:0012806, OMIM 612132.

Submission:

Labcorp Genetics (formerly Invitae), Labcorp
Classification: Uncertain significance for Ectodermal dysplasia and immunodeficiency 2. Last evaluated: 2024-05-02. Review status: criteria provided, single submitter. Criteria: Invitae Variant Classification Sherloc (09022015). Collection method: clinical testing. Allele origin: germline.
Comment: This sequence change replaces glutamine, which is neutral and polar, with lysine, which is basic and polar, at codon 278 of the NFKBIA protein (p.Gln278Lys). This variant is present in population databases (rs373499073, gnomAD 0.03%). This variant has not been reported in the literature in individuals affected with NFKBIA-related conditions. An algorithm developed to predict the effect of missense changes on protein structure and function (PolyPhen-2) suggests that this variant is likely to be disruptive. In summary, the available evidence is currently insufficient to determine the role of this variant in disease. Therefore, it has been classified as a Variant of Uncertain Significance.

NM_020529.3(NFKBIA):c.832C>A (p.Gln278Lys)

Gene: NFKBIA (NFKB inhibitor alpha; minus strand). Cytogenetic location: 14q13.2.
Variant type: single nucleotide variant.
Coding change: c.832C>A on transcript NM_020529.3 (MANE Select); coding-DNA position 832, C replaced by A.
Protein change: p.Gln278Lys; replaces glutamine 278 with lysine.
Molecular consequence: missense variant.
Genome position (GRCh38, 1-based): chr14:35,402,468, G>T on the plus strand (C>A on the coding strand, the complement: NFKBIA is on the minus strand). VCF-style: chr14-35402468-G-T. GRCh37 (hg19) VCF-style: chr14-35871674-G-T.
Other names: short protein forms Q278K.
Identifiers: ClinVar variation 3707765 (VCV003707765.2).